The following is an entry in ClinVar:

ClinVar aggregate classification (germline): Uncertain significance (1 of 4 stars; one submission).

Conditions:
Inborn genetic diseases. Identifiers: MedGen C0950123, MeSH D030342.

gnomAD v4.1: 1 of 1,613,944 alleles (0.000062%); highest among the groups gnomAD compares: African/African-American, 0.0013%; no homozygotes.

Submission:

Ambry Genetics
Classification: Uncertain significance for Inborn genetic diseases. Last evaluated: 2026-05-23. Review status: criteria provided, single submitter. Criteria: Ambry Variant Classification Scheme 2023. Collection method: clinical testing. Allele origin: germline.
Comment: The c.3482G>A (p.C1161Y) alteration is located in exon 19 (coding exon 18) of the HECW2 gene. This alteration results from a G to A substitution at nucleotide position 3482, causing the cysteine (C) at amino acid position 1161 to be replaced by a tyrosine (Y). Based on data from gnomAD, the A allele has an overall frequency of 0.003% (1/31394) total alleles studied. The highest observed frequency was 0.012% (1/8716) of African alleles. Based on insufficient or conflicting evidence, the clinical significance of this alteration remains unclear.

NM_001348768.2(HECW2):c.3482G>A (p.Cys1161Tyr)

Gene: HECW2 (HECT, C2 and WW domain containing E3 ubiquitin protein ligase 2; minus strand). Cytogenetic location: 2q32.3.
Variant type: single nucleotide variant.
Coding change: c.3482G>A on transcript NM_001348768.2 (MANE Select); coding-DNA position 3482, G replaced by A.
Protein change: p.Cys1161Tyr; replaces cysteine 1161 with tyrosine.
Molecular consequence: missense variant.
Genome position (GRCh38, 1-based): chr2:196,253,967, C>T on the plus strand (G>A on the coding strand, the complement: HECW2 is on the minus strand). VCF-style: chr2-196253967-C-T. GRCh37 (hg19) VCF-style: chr2-197118691-C-T.
Other names: c.2414G>A, p.Cys805Tyr (NM_001304840.3); c.3482G>A, p.Cys1161Tyr (NM_020760.4); short protein forms C1161Y, C805Y.
Identifiers: ClinVar variation 4858334 (VCV004858334.1).